The following is an entry in ClinVar:

ClinVar aggregate classification (germline): Conflicting classifications of pathogenicity. Review status: criteria provided, conflicting classifications (1 of 4 stars). 2 submissions from 2 submitters: Uncertain significance (1); Likely benign (1). Last evaluated 2025-12-01.

Allele frequency attached by ClinVar (database versions not stated): TOPMed 0.00002; gnomAD 0.00007; gnomAD exomes 0.00010; 1000 Genomes Project 30x 0.00016; ExAC 0.00018; 1000 Genomes Project 0.00020.
gnomAD v4.1: 148 of 1,610,394 alleles (0.0092%); highest among the groups gnomAD compares: South Asian, 0.15%; 1 homozygote.

Submissions (2):

Labcorp Genetics (formerly Invitae), Labcorp
Classification: Uncertain significance. Last evaluated: 2025-12-01. Review status: criteria provided, single submitter. Criteria: Invitae Variant Classification Sherloc (09022015). Collection method: clinical testing. Allele origin: germline.
Comment: This sequence change falls in intron 12 of the MYSM1 gene. It does not directly change the encoded amino acid sequence of the MYSM1 protein. It affects a nucleotide within the consensus splice site. This variant is present in population databases (rs551018622, gnomAD 0.1%). This variant has not been reported in the literature in individuals affected with MYSM1-related conditions. ClinVar contains an entry for this variant (Variation ID: 2077406). Variants that disrupt the consensus splice site are a relatively common cause of aberrant splicing (PMID: 17576681, 9536098). Algorithms developed to predict the effect of sequence changes on RNA splicing suggest that this variant is not likely to affect RNA splicing. In summary, the available evidence is currently insufficient to determine the role of this variant in disease. Therefore, it has been classified as a Variant of Uncertain Significance.

CeGaT Center for Human Genetics Tuebingen
Classification: Likely benign. Last evaluated: 2023-06-01. Review status: criteria provided, single submitter. Criteria: CeGaT Center For Human Genetics Tuebingen Variant Classification Criteria Version 2. Collection method: clinical testing. Allele origin: germline. Affected: yes. Observed: 1 variant allele.
Comment: MYSM1: BP4

Literature cited by the submitters: PubMed 17576681 (cited by Labcorp Genetics (formerly Invitae), Labcorp); PubMed 9536098 (cited by Labcorp Genetics (formerly Invitae), Labcorp).

NM_001085487.3(MYSM1):c.1661+3G>A

Gene: MYSM1 (Myb like, SWIRM and MPN domains 1; minus strand). Cytogenetic location: 1p32.1.
Variant type: single nucleotide variant.
Coding change: c.1661+3G>A on transcript NM_001085487.3 (MANE Select); 3 bases into the intron after coding-DNA position 1661, G replaced by A.
Molecular consequence: intron variant.
Genome position (GRCh38, 1-based): chr1:58,671,867, C>T on the plus strand (G>A on the coding strand, the complement: MYSM1 is on the minus strand). VCF-style: chr1-58671867-C-T. GRCh37 (hg19) VCF-style: chr1-59137539-C-T.
Identifiers: ClinVar variation 2077406 (VCV002077406.26), dbSNP rs551018622, ClinGen allele CA877734.